The following is an entry in ClinVar:

ClinVar aggregate classification (germline): Uncertain significance (1 of 4 stars; one submission).

Conditions:
Cardiomyopathy (CMYO). Also called: Cardiomyopathies. Identifiers: Orphanet 167848, MedGen C0878544, MONDO:0004994, HP:0001638. Inheritance: Various modes of inheritance.

Submission:

Color Diagnostics, LLC DBA Color Health
Classification: Uncertain significance for Cardiomyopathy. Last evaluated: 2024-01-22. Review status: criteria provided, single submitter. Criteria: ACMG Guidelines, 2015. Collection method: clinical testing. Allele origin: germline.
Comment: This variant causes an in-frame deletion of one amino acid of the PRKAG2 protein. To our knowledge, functional studies have not been reported for this variant. This variant has not been reported in individuals affected with PRKAG2-related disorders in the literature. This variant has not been identified in the general population by the Genome Aggregation Database (gnomAD). The available evidence is insufficient to determine the role of this variant in disease conclusively. Therefore, this variant is classified as a Variant of Uncertain Significance.

NM_016203.4(PRKAG2):c.385TCC[2] (p.Ser131del)

Gene: PRKAG2 (protein kinase AMP-activated non-catalytic subunit gamma 2; minus strand). Cytogenetic location: 7q36.1.
Variant type: Microsatellite.
Coding change: c.385TCC[2] on transcript NM_016203.4 (MANE Select); two copies in a row of the 3-base unit TCC starting at c.385; the reference has three copies in a row; one copy, 3 bases deleted; also written c.391_393del.
Protein change: p.Ser131del; deletes serine 131.
Molecular consequence: intron variant (on NM_001407032.1).
Genome position (GRCh38, 1-based): chr7:151,781,225-151,781,227, GGA deleted on the plus strand (TCC on the coding strand, the reverse complement: PRKAG2 is on the minus strand); deleting any 3 consecutive bases within chr7:151,781,225-151,781,234 gives the same sequence; the position shown is the placement nearest the transcript's 3' end. VCF-style (leftmost placement, unchanged base first): chr7-151781224-TGGA-T. GRCh37 (hg19) VCF-style: chr7-151478310-TGGA-T.
Other names: c.253TCC[2], p.Ser87del (NM_001040633.2, NM_001407024.1, NM_001407026.1 and 2 more transcripts); c.385TCC[2], p.Ser131del (NM_001407021.1, NM_001407022.1, NM_001407023.1 and 2 more transcripts); c.148+33183TCC[2] (NM_001407032.1); c.391_393del (NM_016203.4); short protein forms S131del, S87del.
Identifiers: ClinVar variation 3894498 (VCV003894498.1).